The following is an entry in ClinVar:

NM_032590.5(KDM2B):c.304C>T (p.Leu102Phe)

Gene: KDM2B (lysine demethylase 2B; minus strand). Cytogenetic location: 12q24.31.
Variant type: single nucleotide variant.
Coding change: c.304C>T on transcript NM_032590.5 (MANE Select); coding-DNA position 304, C replaced by T.
Protein change: p.Leu102Phe; replaces leucine 102 with phenylalanine.
Molecular consequence: missense variant.
Genome position (GRCh38, 1-based): chr12:121,575,827, G>A on the plus strand (C>T on the coding strand, the complement: KDM2B is on the minus strand). VCF-style: chr12-121575827-G-A. GRCh37 (hg19) VCF-style: chr12-122013732-G-A.
Other names: c.211C>T, p.Leu71Phe (NM_001005366.2, NM_001439020.1, NM_001439025.1 and 1 more transcripts); c.400C>T, p.Leu134Phe (NM_001439014.1, NM_001439015.1); c.304C>T, p.Leu102Phe (NM_001439016.1, NM_001439017.1, NM_001439018.1); c.193C>T, p.Leu65Phe (NM_001439021.1, NM_001439028.1); c.241C>T, p.Leu81Phe (NM_001439022.1, NM_001439023.1, NM_001439029.1); short protein forms L102F, L134F, L65F, L71F, L81F.
Identifiers: ClinVar variation 4690148 (VCV004690148.1).
Genomic context (GRCh38, chr12:121,575,827, plus strand): 5'-TTTCAGCAACTTACTTAATTCCCAGTCCATCCTTTTCTCGAAATATCAGGGGAACCCTGA[G>A]AGCTTCTCTCTGTACGTACTCATAGTTGAAATCTGTTTGGATATTTGAATTAAAACAAGT-3'
Protein context (NP_115979.3, residues 92-112): FNYEYVQREA[Leu102Phe]RVPLIFREKD

ClinVar aggregate classification (germline): Uncertain significance (1 of 4 stars; one submission).

Submission:

GeneDx
Classification: Uncertain significance. Last evaluated: 2025-07-31. Review status: criteria provided, single submitter. Criteria: GeneDx Variant Classification Process June 2021. Collection method: clinical testing. Allele origin: germline. Affected: yes.
Comment: Not observed at significant frequency in large population cohorts (gnomAD); In silico analysis suggests that this missense variant does not alter protein structure/function; Has not been previously published as pathogenic or benign to our knowledge